The following is an entry in ClinVar:

ClinVar aggregate classification (germline): Uncertain significance (1 of 4 stars; one submission).

Conditions:
Pancreatic adenocarcinoma. Identifiers: MedGen C0281361, MONDO:0006047, HP:0006725.

Submission:

Labcorp Genetics (formerly Invitae), Labcorp
Classification: Uncertain significance for Pancreatic adenocarcinoma. Last evaluated: 2024-02-05. Review status: criteria provided, single submitter. Criteria: Invitae Variant Classification Sherloc (09022015). Collection method: clinical testing. Allele origin: germline.
Comment: This variant, c.209_220dup, results in the insertion of 4 amino acid(s) of the PALLD protein (p.Ala70_Phe73dup), but otherwise preserves the integrity of the reading frame. This variant is not present in population databases (gnomAD no frequency). This variant has not been reported in the literature in individuals affected with PALLD-related conditions. In summary, the available evidence is currently insufficient to determine the role of this variant in disease. Therefore, it has been classified as a Variant of Uncertain Significance.

NM_001166108.2(PALLD):c.1965-12822_1965-12811dup

Gene: PALLD (palladin, cytoskeletal associated protein; plus strand). Cytogenetic location: 4q32.3.
Variant type: Duplication.
Coding change: c.1965-12822_1965-12811dup on transcript NM_001166108.2 (MANE Select); 12822 bases into the intron before coding-DNA position 1965 through 12811 bases into the intron before coding-DNA position 1965, 12 bases duplicated (CGCAGCCCTTCG).
Molecular consequence: intron variant. On other transcripts: inframe insertion (1).
Genome position (GRCh38, 1-based): chr4:168,878,100-168,878,111, CGCAGCCCTTCG duplicated; duplicating any 12 consecutive bases within chr4:168,878,092-168,878,111 gives the same sequence; the c. name uses the placement nearest the transcript's 3' end. VCF-style (leftmost placement, unchanged base first): chr4-168878091-C-CGCCCTTCGCGCA. GRCh37 (hg19) VCF-style: chr4-169799242-C-CGCCCTTCGCGCA.
Other names: c.209_220dup, p.Phe73_Gly74insAlaGlnProPhe (NM_001166110.2); c.1965-12822_1965-12811dup (NM_016081.4); c.819-12822_819-12811dup (NM_001166109.2); c.-157-12822_-157-12811dup (NM_001367570.1, NM_001367568.1, NM_001367567.1 and 1 more transcripts).
Identifiers: ClinVar variation 3623707 (VCV003623707.2).